The following is an entry in ClinVar:

NM_002437.5(MPV17):c.211A>G (p.Lys71Glu)

Gene: MPV17 (mitochondrial inner membrane protein MPV17; minus strand). Cytogenetic location: 2p23.3.
Variant type: single nucleotide variant.
Coding change: c.211A>G on transcript NM_002437.5 (MANE Select); coding-DNA position 211, A replaced by G.
Protein change: p.Lys71Glu; replaces lysine 71 with glutamic acid.
Molecular consequence: missense variant.
Genome position (GRCh38, 1-based): chr2:27,312,748, T>C on the plus strand (A>G on the coding strand, the complement: MPV17 is on the minus strand). VCF-style: chr2-27312748-T-C. GRCh37 (hg19) VCF-style: chr2-27535615-T-C.
Other names: short protein forms K71E.
Identifiers: ClinVar variation 1923500 (VCV001923500.2), dbSNP rs751699511, ClinGen allele CA1575628.

ClinVar aggregate classification (germline): Uncertain significance (1 of 4 stars; one submission).

Allele frequency attached by ClinVar (database versions not stated): gnomAD exomes below 0.00001; ExAC 0.00001; TOPMed 0.00001.
gnomAD v4.1: 1 of 1,614,160 alleles (0.000062%); highest among the groups gnomAD compares: Admixed American, 0.0017%; no homozygotes.

Submission:

Labcorp Genetics (formerly Invitae), Labcorp
Classification: Uncertain significance. Last evaluated: 2022-07-19. Review status: criteria provided, single submitter. Criteria: Invitae Variant Classification Sherloc (09022015). Collection method: clinical testing. Allele origin: germline.
Comment: This sequence change replaces lysine, which is basic and polar, with glutamic acid, which is acidic and polar, at codon 71 of the MPV17 protein (p.Lys71Glu). This variant is present in population databases (rs751699511, gnomAD 0.003%). This variant has not been reported in the literature in individuals affected with MPV17-related conditions. Advanced modeling of protein sequence and biophysical properties (such as structural, functional, and spatial information, amino acid conservation, physicochemical variation, residue mobility, and thermodynamic stability) performed at Invitae indicates that this missense variant is not expected to disrupt MPV17 protein function. Algorithms developed to predict the effect of sequence changes on RNA splicing suggest that this variant may create or strengthen a splice site. In summary, the available evidence is currently insufficient to determine the role of this variant in disease. Therefore, it has been classified as a Variant of Uncertain Significance.